The following is an entry in ClinVar:

ClinVar aggregate classification (germline): Uncertain significance (1 of 4 stars; one submission).

Submission:

CeGaT Center for Human Genetics Tuebingen
Classification: Uncertain significance. Last evaluated: 2022-08-01. Review status: criteria provided, single submitter. Criteria: CeGaT Center For Human Genetics Tuebingen Variant Classification Criteria Version 2. Collection method: clinical testing. Allele origin: germline. Affected: yes. Observed: 1 variant allele.
Comment: SETD1A: PM2

NM_014712.3(SETD1A):c.2149C>T (p.Pro717Ser)

Gene: SETD1A (SET domain containing 1A, histone lysine methyltransferase; plus strand). Cytogenetic location: 16p11.2.
Variant type: single nucleotide variant.
Coding change: c.2149C>T on transcript NM_014712.3 (MANE Select); coding-DNA position 2149, C replaced by T.
Protein change: p.Pro717Ser; replaces proline 717 with serine.
Molecular consequence: missense variant.
Genome position (GRCh38, 1-based): chr16:30,966,030, C>T. VCF-style: chr16-30966030-C-T. GRCh37 (hg19) VCF-style: chr16-30977351-C-T.
Other names: short protein forms P717S.
Identifiers: ClinVar variation 1711406 (VCV001711406.30), dbSNP rs2543861941, ClinGen allele CA395619428.
Genomic context (GRCh38, chr16:30,966,030, plus strand): 5'-AAGGGATTGATTGCCGCCTCAGCTGGCCCCCCCGGTGGGGCCTTTGGGGAGGCCTTCCTC[C>T]CGTTTCCACCCCCGCAGGAGGCAGCCTACGGCTTGCCGTATGCTCTATATGCACAGGGGC-3'
Protein context (NP_055527.1, residues 707-727): PGGAFGEAFL[Pro717Ser]FPPPQEAAYG